The following is an entry in ClinVar:

NM_004646.4(NPHS1):c.3027C>G (p.Tyr1009Ter)

Gene: NPHS1 (NPHS1 adhesion molecule, nephrin; minus strand). Cytogenetic location: 19q13.12.
Variant type: single nucleotide variant.
Coding change: c.3027C>G on transcript NM_004646.4 (MANE Select); coding-DNA position 3027, C replaced by G.
Protein change: p.Tyr1009Ter; replaces tyrosine 1009 with a stop codon.
Molecular consequence: nonsense.
Genome position (GRCh38, 1-based): chr19:35,839,319, G>C on the plus strand (C>G on the coding strand, the complement: NPHS1 is on the minus strand). VCF-style: chr19-35839319-G-C. GRCh37 (hg19) VCF-style: chr19-36330221-G-C.
Other names: short protein forms Y1009*.
Identifiers: ClinVar variation 553429 (VCV000553429.11), dbSNP rs762184939, ClinGen allele CA9389945.
Genomic context (GRCh38, chr19:35,839,319, plus strand): 5'-GGTCCCTTTGTCAGCCAGTCCACTGTCCCCCAAGGCATTACTGGCCAGCAGCCAGACCCT[G>C]TATCTTGTAGAAGGCTGTAGACCAGTCAGCGTGAAGGTGGTGGCCTGGGGTGGTACGACA-3'

ClinVar aggregate classification (germline): Pathogenic. Review status: criteria provided, multiple submitters, no conflicts (2 of 4 stars). 5 submissions from 5 submitters: Pathogenic (4). 1 of the submissions does not count toward it. Last evaluated 2023-08-16.

Conditions:
Finnish congenital nephrotic syndrome (NPHS1). Also called: NEPHROTIC SYNDROME, TYPE 1. Identifiers: Orphanet 839, MedGen C0403399, MONDO:0009732, OMIM 256300.

gnomAD v4.1: 10 of 1,614,218 alleles (0.00062%); highest among the groups gnomAD compares: South Asian, 0.0077%; no homozygotes.

Submissions (5):

GeneDx
Classification: Pathogenic. Last evaluated: 2023-08-16. Review status: criteria provided, single submitter. Criteria: GeneDx Variant Classification Process June 2021. Collection method: clinical testing. Allele origin: germline. Affected: yes.
Comment: Nonsense variant predicted to result in protein truncation or nonsense mediated decay in a gene for which loss of function is a known mechanism of disease; Not observed at significant frequency in large population cohorts (gnomAD); This variant is associated with the following publications: (PMID: 31788464, 30013592, 35683636, 33980730, 31456999, 31576025, 35755072, 22099579, 28204945, 32604935)

Neuberg Centre For Genomic Medicine, NCGM
Classification: Pathogenic for Finnish congenital nephrotic syndrome. Last evaluated: 2023-07-22. Review status: criteria provided, single submitter. Criteria: ACMG Guidelines, 2015. Collection method: clinical testing. Allele origin: germline. Inheritance: Autosomal recessive inheritance. Affected: yes.
Comment: The frameshift variant c.3027C>G p.Tyr1009Ter in the NPHS1 gene has been reported previously in heterozygous state in individuals affected with Congenital Nephrotic Syndrome Zhang et al., 2020; Chen et al., 2019. This variant is reported with the allele frequency 0.0007% in the gnomAD Exomes. It is submitted to ClinVar as Pathogenic. This variant is predicted to cause a loss of normal protein function through protein truncation. Loss of function variants has been previously reported to be disease causing. For these reasons, this variant has been classified as Pathogenic.

Labcorp Genetics (formerly Invitae), Labcorp
Classification: Pathogenic. Last evaluated: 2023-05-27. Review status: criteria provided, single submitter. Criteria: Invitae Variant Classification Sherloc (09022015). Collection method: clinical testing. Allele origin: germline.
Comment: This premature translational stop signal has been observed in individual(s) with nephrotic syndrome (PMID: 22099579, 31456999). This variant is present in population databases (rs762184939, gnomAD 0.006%). ClinVar contains an entry for this variant (Variation ID: 553429). For these reasons, this variant has been classified as Pathogenic. This sequence change creates a premature translational stop signal (p.Tyr1009*) in the NPHS1 gene. It is expected to result in an absent or disrupted protein product. Loss-of-function variants in NPHS1 are known to be pathogenic (PMID: 11317351, 11854170, 12039988).

Women's Health and Genetics/Laboratory Corporation of America, LabCorp
Classification: Pathogenic for Finnish congenital nephrotic syndrome. Last evaluated: 2020-06-25. Review status: criteria provided, single submitter. Criteria: LabCorp Variant Classification Summary - May 2015. Collection method: clinical testing. Allele origin: germline.
Comment: Variant summary: NPHS1 c.3027C>G (p.Tyr1009X) results in a premature termination codon, predicted to cause a truncation of the encoded protein or absence of the protein due to nonsense mediated decay, which are commonly known mechanisms for disease. Truncations downstream of this position have been classified as pathogenic by our laboratory. The variant allele was found at a frequency of 8e-06 in 251488 control chromosomes. c.3027C>G has been reported in the literature in individuals affected with Nephrotic Syndrome, Type 1 and subsequently cited by others (example, Lee_2011, Wang_2017, Chen_2019, Abid_2018). To our knowledge, no experimental evidence demonstrating an impact on protein function has been reported. One clinical diagnostic laboratory has submitted clinical-significance assessments for this variant to ClinVar after 2014 without evidence for independent evaluation and classified the variant as pathogenic. Based on the evidence outlined above, the variant was classified as pathogenic.

Counsyl
Classification: Pathogenic for Finnish congenital nephrotic syndrome. Last evaluated: 2017-08-18. Review status: no assertion criteria provided. Collection method: clinical testing. Allele origin: unknown. Not counted in ClinVar's aggregate classification.

Literature cited by the submitters: PubMed 22099579 (cited by 3 submitters); PubMed 31456999 (cited by Labcorp Genetics (formerly Invitae), Labcorp and Women's Health and Genetics/Laboratory Corporation of America, LabCorp); PubMed 11317351 (cited by Labcorp Genetics (formerly Invitae), Labcorp); PubMed 11854170 (cited by Labcorp Genetics (formerly Invitae), Labcorp); PubMed 12039988 (cited by Labcorp Genetics (formerly Invitae), Labcorp); PubMed 28204945 (cited by Women's Health and Genetics/Laboratory Corporation of America, LabCorp and Counsyl); PubMed 30013592 (cited by Women's Health and Genetics/Laboratory Corporation of America, LabCorp).